The following is an entry in ClinVar:

ClinVar aggregate classification (germline): Conflicting classifications of pathogenicity. Review status: criteria provided, conflicting classifications (1 of 4 stars). 6 submissions from 6 submitters: Uncertain significance (1); Benign (1); Likely benign (2). 2 of the submissions do not count toward it. Last evaluated 2026-01-24.

Conditions:
ETFDH-related disorder. Also called: ETFDH-related condition.
Multiple acyl-CoA dehydrogenase deficiency (MADD). Also called: ETHYLMALONIC-ADIPICACIDURIA; GA II; Glutaric acidemia type II; GA 2; Glutaric aciduria, type 2; Glutaric Acidemia type 2. Identifiers: Orphanet 26791, MedGen C0268596, MONDO:0009282, OMIM 231680.

Allele frequency attached by ClinVar (database versions not stated): gnomAD 0.00076 and 0.00071; gnomAD exomes 0.00107 and 0.00046; 1000 Genomes Project 30x 0.00016; 1000 Genomes Project 0.00020; ESP Exome Variant Server 0.00023; ExAC 0.00041; TOPMed 0.00064.
gnomAD v4.1: 1,649 of 1,608,598 alleles (0.1%); highest among the groups gnomAD compares: Non-Finnish European, 0.13%; 4 homozygotes.

Submissions (7):

Labcorp Genetics (formerly Invitae), Labcorp
Classification: Likely benign for Multiple acyl-CoA dehydrogenase deficiency. Last evaluated: 2026-01-24. Review status: criteria provided, single submitter. Criteria: Invitae Variant Classification Sherloc (09022015). Collection method: clinical testing. Allele origin: germline.

Blueprint Genetics
Classification: Likely benign. Last evaluated: 2024-11-06. Review status: criteria provided, single submitter. Criteria: ACMG Guidelines, 2015. Collection method: clinical testing. Allele origin: germline.

Illumina Laboratory Services, Illumina
Classification: Uncertain significance for Multiple acyl-CoA dehydrogenase deficiency. Last evaluated: 2018-01-13. Review status: criteria provided, single submitter. Criteria: ICSL Variant Classification Criteria 13 December 2019. Collection method: clinical testing. Allele origin: germline.

GeneDx
Classification: Benign. Last evaluated: 2013-02-19. Review status: criteria provided, single submitter. Criteria: GeneDx Variant Classification (06012015). Collection method: clinical testing. Allele origin: germline. Affected: yes.
Comment: This variant is considered likely benign or benign based on one or more of the following criteria: it is a conservative change, it occurs at a poorly conserved position in the protein, it is predicted to be benign by multiple in silico algorithms, and/or has population frequency not consistent with disease.

PreventionGenetics, part of Exact Sciences
Classification: Likely benign for ETFDH-related condition. Last evaluated: 2019-08-13. Review status: no assertion criteria provided. Collection method: clinical testing. Allele origin: germline. Not counted in ClinVar's aggregate classification.
Comment: This variant is classified as likely benign based on ACMG/AMP sequence variant interpretation guidelines (Richards et al. 2015 PMID: 25741868, with internal and published modifications).

Mayo Clinic Laboratories, Mayo Clinic
Classification: Likely benign. Last evaluated: 2016-03-08. Review status: no assertion criteria provided. Collection method: clinical testing. Allele origin: unknown. Not counted in ClinVar's aggregate classification.

Dr. Peter K. Rogan Lab, Western University
No classification provided (evidence only). Condition: Acute myeloid leukemia. Review status: no classification provided. Collection method: in vitro. Allele origin: not applicable. Functional consequence: retained intron. Not counted in ClinVar's aggregate classification.

NM_004453.4(ETFDH):c.832-10T>G

Gene: ETFDH (electron transfer flavoprotein dehydrogenase; plus strand). Cytogenetic location: 4q32.1.
Variant type: single nucleotide variant.
Coding change: c.832-10T>G on transcript NM_004453.4 (MANE Select); 10 bases into the intron before coding-DNA position 832, T replaced by G.
Molecular consequence: intron variant.
Genome position (GRCh38, 1-based): chr4:158,697,549, T>G. VCF-style: chr4-158697549-T-G. GRCh37 (hg19) VCF-style: chr4-159618701-T-G.
Other names: c.691-10T>G (NM_001281737.2); c.649-10T>G (NM_001281738.1).
Identifiers: ClinVar variation 137233 (VCV000137233.24), dbSNP rs200911913, ClinGen allele CA290771.